The following is an entry in ClinVar:

NM_001127649.3(PEX26):c.185G>A (p.Trp62Ter)

Gene: PEX26 (peroxisomal biogenesis factor 26; plus strand). Cytogenetic location: 22q11.21.
Variant type: single nucleotide variant.
Coding change: c.185G>A on transcript NM_001127649.3 (MANE Select); coding-DNA position 185, G replaced by A.
Protein change: p.Trp62Ter; replaces tryptophan 62 with a stop codon.
Molecular consequence: nonsense.
Genome position (GRCh38, 1-based): chr22:18,078,561, G>A. VCF-style: chr22-18078561-G-A. GRCh37 (hg19) VCF-style: chr22-18561327-G-A.
Other names: c.185G>A, p.Trp62Ter (NM_001199319.2, NM_017929.6); short protein forms W62*.
Identifiers: ClinVar variation 496444 (VCV000496444.5), dbSNP rs1556586479, ClinGen allele CA410265173.

ClinVar aggregate classification (germline): Pathogenic/Likely pathogenic. Review status: criteria provided, multiple submitters, no conflicts (2 of 4 stars). 2 submissions from 2 submitters: Pathogenic (1); Likely pathogenic (1). Last evaluated 2023-11-27.

Conditions:
Peroxisome biogenesis disorder 7A (Zellweger). Also called: Peroxisome biogenesis disorder 7A. Identifiers: Orphanet 912, MedGen C3888385, MONDO:0013938, OMIM 614872.
Peroxisome biogenesis disorder 7B (PBD7B). Identifiers: Orphanet 44, MedGen C3553951, MONDO:0013939, OMIM 614873.
Peroxisome biogenesis disorder. Identifiers: Orphanet 79189, MedGen C1832200, MONDO:0019234. Disease mechanism: loss of function.

Submissions (2):

Labcorp Genetics (formerly Invitae), Labcorp
Classification: Pathogenic for Peroxisome biogenesis disorder 7A (Zellweger); Peroxisome biogenesis disorder 7B. Last evaluated: 2023-11-27. Review status: criteria provided, single submitter. Criteria: Invitae Variant Classification Sherloc (09022015). Collection method: clinical testing. Allele origin: germline.
Comment: This sequence change creates a premature translational stop signal (p.Trp62*) in the PEX26 gene. It is expected to result in an absent or disrupted protein product. Loss-of-function variants in PEX26 are known to be pathogenic (PMID: 12851857, 21031596). This variant is not present in population databases (gnomAD no frequency). This premature translational stop signal has been observed in individual(s) with Zellweger syndrome (PMID: 21031596). ClinVar contains an entry for this variant (Variation ID: 496444). For these reasons, this variant has been classified as Pathogenic.

Women's Health and Genetics/Laboratory Corporation of America, LabCorp
Classification: Likely pathogenic for Peroxisome biogenesis disorder. Last evaluated: 2022-08-11. Review status: criteria provided, single submitter. Criteria: LabCorp Variant Classification Summary - May 2015. Collection method: clinical testing. Allele origin: germline.
Comment: Variant summary: PEX26 c.185G>A (p.Trp62X) results in a premature termination codon, predicted to cause a truncation of the encoded protein or absence of the protein due to nonsense mediated decay, which are commonly known mechanisms for disease. Truncations downstream of this position have been classified as pathogenic by our laboratory. The variant was absent in 212352 control chromosomes (gnomAD). c.185G>A has been reported in the literature in at least one homozygous individual affected with Zellweger Syndrome (e.g. Ebberink_2011). These data indicate that the variant is likely associated with disease. No clinical diagnostic laboratories have submitted clinical-significance assessments for this variant to ClinVar after 2014. Based on the evidence outlined above, the variant was classified as likely pathogenic.

Literature cited by the submitters: PubMed 12851857 (cited by Labcorp Genetics (formerly Invitae), Labcorp); PubMed 21031596 (cited by Labcorp Genetics (formerly Invitae), Labcorp and Women's Health and Genetics/Laboratory Corporation of America, LabCorp).